The following is an entry in ClinVar:

NM_138387.4(G6PC3):c.142T>C (p.Tyr48His)

Genes: G6PC3 (glucose-6-phosphatase catalytic subunit 3; plus strand), LOC130060959 (ATAC-STARR-seq lymphoblastoid active region 12250; plus strand). Cytogenetic location: 17q21.31.
Variant type: single nucleotide variant.
Coding change: c.142T>C on transcript NM_138387.4 (MANE Select); coding-DNA position 142, T replaced by C.
Protein change: p.Tyr48His; replaces tyrosine 48 with histidine.
Molecular consequence: missense variant. On other transcripts: 5 prime UTR variant (3), intron variant (1).
Genome position (GRCh38, 1-based): chr17:44,071,107, T>C. VCF-style: chr17-44071107-T-C. GRCh37 (hg19) VCF-style: chr17-42148475-T-C.
Other names: c.142T>C, p.Tyr48His (NM_001319945.2); c.-263T>C (NM_001384165.1); c.-398T>C (NM_001384166.1); c.-388T>C (NM_001384167.1); c.-312+393T>C (NM_001384168.1); short protein forms Y48H.
Identifiers: ClinVar variation 3518084 (VCV003518084.1).

ClinVar aggregate classification (germline): Uncertain significance (1 of 4 stars; one submission).

Conditions:
Inborn genetic diseases. Identifiers: MedGen C0950123, MeSH D030342.

Submission:

Ambry Genetics
Classification: Uncertain significance for Inborn genetic diseases. Last evaluated: 2024-12-09. Review status: criteria provided, single submitter. Criteria: Ambry Variant Classification Scheme 2023. Collection method: clinical testing. Allele origin: germline.
Comment: The p.Y48H variant (also known as c.142T>C), located in coding exon 1 of the G6PC3 gene, results from a T to C substitution at nucleotide position 142. The tyrosine at codon 48 is replaced by histidine, an amino acid with similar properties. This amino acid position is conserved. In addition, this alteration is predicted to be tolerated by in silico analysis. Based on the available evidence, the clinical significance of this variant remains unclear.